The following is an entry in ClinVar:

ClinVar aggregate classification (germline): Likely benign. Review status: criteria provided, multiple submitters, no conflicts (2 of 4 stars). 2 submissions from 2 submitters: Likely benign (2). Last evaluated 2025-04-24.

Conditions:
INPPL1-related disorder. Also called: INPPL1-related condition.

gnomAD v4.1: 2 of 1,612,112 alleles (0.00012%); highest among the groups gnomAD compares: Non-Finnish European, 0.00017%; no homozygotes.

Submissions (2):

PreventionGenetics, part of Exact Sciences
Classification: Likely benign for INPPL1-related condition. Last evaluated: 2025-04-24. Review status: criteria provided, single submitter. Criteria: ACMG Guidelines, 2015. Collection method: clinical testing. Allele origin: germline.
Comment: This variant is classified as likely benign based on ACMG/AMP sequence variant interpretation guidelines (Richards et al. 2015 PMID: 25741868, with internal and published modifications).

Labcorp Genetics (formerly Invitae), Labcorp
Classification: Likely benign. Last evaluated: 2024-04-12. Review status: criteria provided, single submitter. Criteria: Invitae Variant Classification Sherloc (09022015). Collection method: clinical testing. Allele origin: germline.

NM_001567.4(INPPL1):c.438C>T (p.Gly146=)

Gene: INPPL1 (inositol polyphosphate phosphatase like 1; plus strand). Cytogenetic location: 11q13.4.
Variant type: single nucleotide variant.
Coding change: c.438C>T on transcript NM_001567.4 (MANE Select); coding-DNA position 438, C replaced by T.
Protein change: p.Gly146=; no amino-acid change (glycine 146 retained).
Molecular consequence: synonymous variant.
Genome position (GRCh38, 1-based): chr11:72,228,767, C>T. VCF-style: chr11-72228767-C-T. GRCh37 (hg19) VCF-style: chr11-71939811-C-T.
Other names: c.438C>T (NM_001567.3).
Identifiers: ClinVar variation 3681460 (VCV003681460.3).